The following is an entry in ClinVar:

NM_022725.4(FANCF):c.552_554inv (p.Pro185Asp)

Gene: FANCF (FA complementation group F; minus strand). Cytogenetic location: 11p14.3.
Variant type: Inversion.
Coding change: c.552_554inv on transcript NM_022725.4 (MANE Select).
Protein change: p.Pro185Asp; replaces proline 185 with aspartic acid.
Molecular consequence: missense variant.
Genome position: GRCh38 VCF-style: chr11-22625257-GGA-TCC. GRCh37 (hg19) VCF-style: chr11-22646803-GGA-TCC.
Other names: c.552_554delinsGGA (NM_022725.4); short protein forms P185D.
Identifiers: ClinVar variation 2078158 (VCV002078158.5), ClinGen allele CA2580082868.

ClinVar aggregate classification (germline): Uncertain significance. Review status: criteria provided, multiple submitters, no conflicts (2 of 4 stars). 2 submissions from 2 submitters: Uncertain significance (2). Last evaluated 2025-11-09.

Conditions:
Fanconi anemia (FA). Also called: Fanconi's anemia. Identifiers: Orphanet 84, MedGen C0015625, MeSH D005199, MONDO:0019391.
Fanconi anemia complementation group F. Also called: FANCF-Related Fanconi Anemia. Identifiers: Orphanet 84, MedGen C3469526, MONDO:0011325, OMIM 603467.

Submissions (2):

Labcorp Genetics (formerly Invitae), Labcorp
Classification: Uncertain significance for Fanconi anemia. Last evaluated: 2025-11-09. Review status: criteria provided, single submitter. Criteria: Invitae Variant Classification Sherloc (09022015). Collection method: clinical testing. Allele origin: germline.
Comment: This sequence change replaces proline, which is neutral and non-polar, with aspartic acid, which is acidic and polar, at codon 185 of the FANCF protein (p.Pro185Asp). Information on the frequency of this variant in the gnomAD database is not available, as this variant may be reported differently in the database. This variant has not been reported in the literature in individuals affected with FANCF-related conditions. ClinVar contains an entry for this variant (Variation ID: 2078158). Experimental studies and prediction algorithms are not available or were not evaluated, and the functional significance of this variant is currently unknown. In summary, the available evidence is currently insufficient to determine the role of this variant in disease. Therefore, it has been classified as a Variant of Uncertain Significance.

Fulgent Genetics
Classification: Uncertain significance for Fanconi anemia complementation group F. Last evaluated: 2024-06-13. Review status: criteria provided, single submitter. Criteria: ACMG Guidelines, 2015. Collection method: clinical testing. Allele origin: germline.